The following is an entry in ClinVar:

ClinVar aggregate classification (germline): Uncertain significance. Review status: criteria provided, multiple submitters, no conflicts (2 of 4 stars). 4 submissions from 4 submitters: Uncertain significance (2). 2 of the submissions do not count toward it. Last evaluated 2025-06-18.

Conditions:
Dystrophin deficiency.
Becker muscular dystrophy (BMD). Also called: MUSCULAR DYSTROPHY, PSEUDOHYPERTROPHIC PROGRESSIVE, BECKER TYPE; Becker Muscular Dystrophy (BMD). Identifiers: Orphanet 98895, MedGen C0917713, MONDO:0010311, OMIM 300376.
Duchenne muscular dystrophy (DMD). Also called: Duchenne Muscular Dystrophy (DMD); MUSCULAR DYSTROPHY, PSEUDOHYPERTROPHIC PROGRESSIVE, DUCHENNE TYPE. Identifiers: Orphanet 98896, MedGen C0013264, MONDO:0010679, OMIM 310200.

Allele frequency attached by ClinVar (database versions not stated): TOPMed 0.00001; ExAC 0.00002; gnomAD exomes 0.00002; ESP Exome Variant Server 0.00009.
gnomAD v4.1: 30 of 1,208,932 alleles (0.0025%); highest among the groups gnomAD compares: Non-Finnish European, 0.0031%; no homozygotes.

Submissions (4):

Labcorp Genetics (formerly Invitae), Labcorp
Classification: Uncertain significance for Duchenne muscular dystrophy. Last evaluated: 2025-06-18. Review status: criteria provided, single submitter. Criteria: Invitae Variant Classification Sherloc (09022015). Collection method: clinical testing. Allele origin: germline.
Comment: This sequence change replaces glycine, which is neutral and non-polar, with arginine, which is basic and polar, at codon 1433 of the DMD protein (p.Gly1433Arg). This variant is present in population databases (rs371601285, gnomAD 0.004%). This variant has not been reported in the literature in individuals affected with DMD-related conditions. ClinVar contains an entry for this variant (Variation ID: 281422). Invitae Evidence Modeling of protein sequence and biophysical properties (such as structural, functional, and spatial information, amino acid conservation, physicochemical variation, residue mobility, and thermodynamic stability) indicates that this missense variant is not expected to disrupt DMD protein function with a negative predictive value of 95%. In summary, the available evidence is currently insufficient to determine the role of this variant in disease. Therefore, it has been classified as a Variant of Uncertain Significance.

Eurofins Ntd Llc (ga)
Classification: Uncertain significance. Last evaluated: 2015-06-16. Review status: criteria provided, single submitter. Criteria: EGL Classification Definitions 2015. Collection method: clinical testing. Allele origin: germline. Observed: 1 variant allele, 1 heterozygote.

Natera, Inc.
Classification: Uncertain significance for Dystrophin deficiency. Last evaluated: 2020-09-16. Review status: no assertion criteria provided. Collection method: clinical testing. Allele origin: germline. Not counted in ClinVar's aggregate classification.

Genomics England Pilot Project, Genomics England
Classification: Likely pathogenic for Becker muscular dystrophy. Review status: no assertion criteria provided. Criteria: ACGS Guidelines, 2016. Collection method: clinical testing. Allele origin: germline. Affected: yes. Not counted in ClinVar's aggregate classification.

NM_004006.3(DMD):c.4297G>C (p.Gly1433Arg)

Gene: DMD (dystrophin; minus strand). Cytogenetic location: Xp21.1.
Variant type: single nucleotide variant.
Coding change: c.4297G>C on transcript NM_004006.3 (MANE Select); coding-DNA position 4297, G replaced by C.
Protein change: p.Gly1433Arg; replaces glycine 1433 with arginine.
Molecular consequence: missense variant.
Genome position (GRCh38, 1-based): chrX:32,390,118, C>G on the plus strand (G>C on the coding strand, the complement: DMD is on the minus strand). VCF-style: chrX-32390118-C-G. GRCh37 (hg19) VCF-style: chrX-32408235-C-G.
Other names: c.4273G>C, p.Gly1425Arg (NM_000109.4); c.4285G>C, p.Gly1429Arg (NM_004009.3); c.3928G>C, p.Gly1310Arg (NM_004010.3); c.274G>C, p.Gly92Arg (NM_004011.4); c.265G>C, p.Gly89Arg (NM_004012.4); short protein forms G1433R, G89R, G1310R, G1425R, G1429R, G92R.
Identifiers: ClinVar variation 281422 (VCV000281422.18), dbSNP rs371601285, ClinGen allele CA10378995.